The following is an entry in ClinVar:

NM_138694.4(PKHD1):c.764A>G (p.Tyr255Cys)

Gene: PKHD1 (PKHD1 ciliary IPT domain containing fibrocystin/polyductin; minus strand). Cytogenetic location: 6p12.2.
Variant type: single nucleotide variant.
Coding change: c.764A>G on transcript NM_138694.4 (MANE Select); coding-DNA position 764, A replaced by G.
Protein change: p.Tyr255Cys; replaces tyrosine 255 with cysteine.
Molecular consequence: missense variant.
Genome position (GRCh38, 1-based): chr6:52,069,471, T>C on the plus strand (A>G on the coding strand, the complement: PKHD1 is on the minus strand). VCF-style: chr6-52069471-T-C. GRCh37 (hg19) VCF-style: chr6-51934269-T-C.
Other names: c.764A>G, p.Tyr255Cys (NM_170724.3); short protein forms Y255C.
Identifiers: ClinVar variation 281899 (VCV000281899.11), dbSNP rs886042259, ClinGen allele CA10603998.

ClinVar aggregate classification (germline): Conflicting classifications of pathogenicity. Review status: criteria provided, conflicting classifications (1 of 4 stars). 3 submissions from 3 submitters: Likely pathogenic (1); Uncertain significance (2). Last evaluated 2026-04-15.

Conditions:
Autosomal recessive polycystic kidney disease (ARPKD). Also called: AR polycystic kidney disease. Identifiers: Orphanet 731, Orphanet 8378, MedGen C0085548, MeSH D017044, MONDO:0009889.

Submissions (3):

Women's Health and Genetics/Laboratory Corporation of America, LabCorp
Classification: Uncertain significance. Last evaluated: 2026-04-15. Review status: criteria provided, single submitter. Criteria: LabCorp Variant Classification Summary - May 2015. Collection method: clinical testing. Allele origin: germline.
Comment: Variant summary: PKHD1 c.764A>G (p.Tyr255Cys) results in a non-conservative amino acid change in the encoded protein sequence. Algorithms developed to predict the effect of missense changes on protein structure and function are either unavailable or do not agree on the potential impact of this missense change. The variant was absent in 251434 control chromosomes. The available data on variant occurrences in the general population are insufficient to allow any conclusion about variant significance. c.764A>G has been observed in individuals affected with autosomal recessive Polycystic Kidney Disease (Gunay-Aygun_2010, Tong_2016, internal data). These data do not allow any conclusion about variant significance. To our knowledge, no experimental evidence demonstrating an impact on protein function has been reported. Internally validated machine learning-based Evidence Modeling of protein sequence and biophysical properties (such as structural, functional, and spatial information, amino acid conservation, physicochemical variation, residue mobility, and thermodynamic stability) indicates that this missense variant is expected to disrupt PKHD1 protein function with a positive predictive value of at least 95%. The following publications have been ascertained in the context of this evaluation (PMID: 19914852, 27752906). ClinVar contains an entry for this variant (Variation ID: 281899). Based on the evidence outlined above, the variant was classified as VUS-possibly pathogenic.

Labcorp Genetics (formerly Invitae), Labcorp
Classification: Likely pathogenic for Autosomal recessive polycystic kidney disease. Last evaluated: 2024-01-19. Review status: criteria provided, single submitter. Criteria: Invitae Variant Classification Sherloc (09022015). Collection method: clinical testing. Allele origin: germline.
Comment: This sequence change replaces tyrosine, which is neutral and polar, with cysteine, which is neutral and slightly polar, at codon 255 of the PKHD1 protein (p.Tyr255Cys). This variant is not present in population databases (gnomAD no frequency). This missense change has been observed in individual(s) with clinical features of polycystic kidney disease (PMID: 19914852, 20413436, 27752906; Invitae). In at least one individual the data is consistent with being in trans (on the opposite chromosome) from a pathogenic variant. ClinVar contains an entry for this variant (Variation ID: 281899). Advanced modeling of protein sequence and biophysical properties (such as structural, functional, and spatial information, amino acid conservation, physicochemical variation, residue mobility, and thermodynamic stability) performed at Invitae indicates that this missense variant is expected to disrupt PKHD1 protein function with a positive predictive value of 95%. In summary, the currently available evidence indicates that the variant is pathogenic, but additional data are needed to prove that conclusively. Therefore, this variant has been classified as Likely Pathogenic.

Eurofins Ntd Llc (ga)
Classification: Uncertain significance. Last evaluated: 2015-07-14. Review status: criteria provided, single submitter. Criteria: EGL Classification Definitions 2015. Collection method: clinical testing. Allele origin: germline. Observed: 1 variant allele, 1 heterozygote.

Literature cited by the submitters: PubMed 27752906 (cited by Women's Health and Genetics/Laboratory Corporation of America, LabCorp and Labcorp Genetics (formerly Invitae), Labcorp); PubMed 19914852 (cited by Women's Health and Genetics/Laboratory Corporation of America, LabCorp and Labcorp Genetics (formerly Invitae), Labcorp); PubMed 20413436 (cited by Labcorp Genetics (formerly Invitae), Labcorp).